The following is an entry in ClinVar:

ClinVar aggregate classification (germline): Uncertain significance (1 of 4 stars; one submission).

Submission:

Ambry Genetics
Classification: Uncertain significance. Last evaluated: 2025-10-05. Review status: criteria provided, single submitter. Criteria: Ambry Variant Classification Scheme 2023. Collection method: clinical testing. Allele origin: germline.
Comment: The p.P1280R variant (also known as c.3839C>G), located in coding exon 14 of the CDK12 gene, results from a C to G substitution at nucleotide position 3839. The proline at codon 1280 is replaced by arginine, an amino acid with dissimilar properties. This amino acid position is conserved. In addition, this alteration is predicted to be tolerated by in silico analysis. Based on the available evidence, the clinical significance of this variant remains unclear.

NM_016507.4(CDK12):c.3839C>G (p.Pro1280Arg)

Gene: CDK12 (cyclin dependent kinase 12; plus strand). Cytogenetic location: 17q12.
Variant type: single nucleotide variant.
Coding change: c.3839C>G on transcript NM_016507.4 (MANE Select); coding-DNA position 3839, C replaced by G.
Protein change: p.Pro1280Arg; replaces proline 1280 with arginine.
Molecular consequence: missense variant.
Genome position (GRCh38, 1-based): chr17:39,530,682, C>G. VCF-style: chr17-39530682-C-G. GRCh37 (hg19) VCF-style: chr17-37686935-C-G.
Other names: c.3812C>G, p.Pro1271Arg (NM_015083.4); short protein forms P1280R, P1271R.
Identifiers: ClinVar variation 4651354 (VCV004651354.1).